The following is an entry in ClinVar:

NM_024734.4(CLMN):c.1437G>A (p.Ser479=)

Gene: CLMN (calmin; minus strand). Cytogenetic location: 14q32.13.
Variant type: single nucleotide variant.
Coding change: c.1437G>A on transcript NM_024734.4 (MANE Select); coding-DNA position 1437, G replaced by A.
Protein change: p.Ser479=; no amino-acid change (serine 479 retained).
Molecular consequence: synonymous variant.
Genome position (GRCh38, 1-based): chr14:95,203,912, C>T on the plus strand (G>A on the coding strand, the complement: CLMN is on the minus strand). VCF-style: chr14-95203912-C-T. GRCh37 (hg19) VCF-style: chr14-95670249-C-T.
Identifiers: ClinVar variation 3038472 (VCV003038472.2), dbSNP rs201041933, ClinGen allele CA7332163.
Genomic context (GRCh38, chr14:95,203,912, plus strand): 5'-TGTGCCCTCCACCAAAAAAATGTCACCAGCGACCTTGTCAGAGGAGGATTCTGGAATCTT[C>T]GAGGATTCCTGTTTCTGTTCCTTTTCCTCAGCAACCTCAACTGCCAAGACATGTCCATCC-3'
Protein context (NP_079010.2, residues 469-489): AEEKEQKQES[Ser479=]KIPESSSDKV

ClinVar aggregate classification (germline): Likely benign (0 of 4 stars; one submission).

Conditions:
CLMN-related disorder. Also called: CLMN-related condition.

Allele frequency attached by ClinVar (database versions not stated): gnomAD exomes 0.00010; ExAC 0.00015; gnomAD 0.00017; 1000 Genomes Project 0.00020; ESP Exome Variant Server 0.00023; TOPMed 0.00026.
gnomAD v4.1: 189 of 1,613,114 alleles (0.012%); highest among the groups gnomAD compares: Admixed American, 0.032%; 1 homozygote.

Submission:

PreventionGenetics, part of Exact Sciences
Classification: Likely benign for CLMN-related condition. Last evaluated: 2019-05-21. Review status: no assertion criteria provided. Collection method: clinical testing. Allele origin: germline.
Comment: This variant is classified as likely benign based on ACMG/AMP sequence variant interpretation guidelines (Richards et al. 2015 PMID: 25741868, with internal and published modifications).